The following is an entry in ClinVar:

ClinVar aggregate classification (germline): Uncertain significance. Review status: criteria provided, multiple submitters, no conflicts (2 of 4 stars). 2 submissions from 2 submitters: Uncertain significance (2). Last evaluated 2025-12-30.

Conditions:
Inborn genetic diseases. Identifiers: MedGen C0950123, MeSH D030342.

Allele frequency attached by ClinVar (database versions not stated): gnomAD exomes 0.00002; ExAC 0.00003; gnomAD 0.00003; TOPMed 0.00006.

Submissions (2):

Dasa
Classification: Uncertain significance. Last evaluated: 2025-12-30. Review status: criteria provided, single submitter. Criteria: DASA Assertion Criteria. Collection method: clinical testing. Allele origin: germline.
Comment: NM_016333.4(SRRM2):c.7693G>A (p.Gly2565Ser) is a missense variant that results in the substitution of glycine with serine. This variant is rare in population databases. Computational prediction algorithms are consistent with a benign effect. The currently available literature and clinical evidence are not sufficient to establish a definitive association between this variant and the reported condition. Therefore, this variant is classified as a variant of uncertain significance.

Ambry Genetics
Classification: Uncertain significance for Inborn genetic diseases. Last evaluated: 2021-12-02. Review status: criteria provided, single submitter. Criteria: Ambry Variant Classification Scheme 2023. Collection method: clinical testing. Allele origin: germline.

NM_016333.4(SRRM2):c.7693G>A (p.Gly2565Ser)

Gene: SRRM2 (serine/arginine repetitive matrix 2; plus strand). Cytogenetic location: 16p13.3.
Variant type: single nucleotide variant.
Coding change: c.7693G>A on transcript NM_016333.4 (MANE Select); coding-DNA position 7693, G replaced by A.
Protein change: p.Gly2565Ser; replaces glycine 2565 with serine.
Molecular consequence: missense variant.
Genome position (GRCh38, 1-based): chr16:2,768,221, G>A. VCF-style: chr16-2768221-G-A. GRCh37 (hg19) VCF-style: chr16-2818222-G-A.
Other names: short protein forms G2565S.
Identifiers: ClinVar variation 2263164 (VCV002263164.4), dbSNP rs745592886, ClinGen allele CA7849169.